The following is an entry in ClinVar:

NM_000059.4(BRCA2):c.9939_9942del (p.Lys3315fs)

Gene: BRCA2 (BRCA2 DNA repair associated; plus strand). Cytogenetic location: 13q13.1.
Variant type: Deletion.
Coding change: c.9939_9942del on transcript NM_000059.4 (MANE Select); coding-DNA positions 9939 to 9942, 4 bases deleted (GAAA; older notation c.9939_9942delGAAA).
Protein change: p.Lys3315fs; shifts the reading frame from lysine 3315.
Molecular consequence: frameshift variant.
Genome position (GRCh38, 1-based): chr13:32,398,452-32,398,455, GAAA deleted; deleting any 4 consecutive bases within chr13:32,398,449-32,398,455 gives the same sequence; the c. name uses the placement nearest the transcript's 3' end. VCF-style (leftmost placement, unchanged base first): chr13-32398448-TAAAG-T. GRCh37 (hg19) VCF-style: chr13-32972585-TAAAG-T.
Other names: c.9939_9942delGAAA (NM_000059.3); short protein forms K3315fs.
Identifiers: ClinVar variation 418950 (VCV000418950.2), dbSNP rs1064793547, ClinGen allele CA16619800.

ClinVar aggregate classification (germline): Uncertain significance (1 of 4 stars; one submission).

Submission:

GeneDx
Classification: Uncertain significance. Last evaluated: 2015-04-28. Review status: criteria provided, single submitter. Criteria: GeneDx Variant Classification (06012015). Collection method: clinical testing. Allele origin: germline. Affected: yes.
Comment: This deletion of 4 nucleotides in BRCA2 is denoted c.9939_9942delGAAA at the cDNA level and p.Lys3315AsnfsX2 (K3315NfsX2) at the protein level. The normal sequence, with the bases that are deleted in braces, is TAAA[GAAA]AAAG. The deletion causes a frameshift, which changes a Lysine to an Asparagine at codon 3315, and creates a premature stop codon at position 2 of the new reading frame. This variant has not, to our knowledge, been reported in the literature as pathogenic or benign. This variant was not observed in approximately 6,500 individuals of European and African American ancestry in the NHLBI Exome Sequencing Project, suggesting it is not a common benign variant in these populations. Although this variant results in a frameshift and premature stop codon, it is located just upstream of a well-known polymorphism that also results in a premature stop of translation (K3326X), suggesting that this region of the BRCA2 gene and the region beyond codon 3326 is not crucial for proper function. Based on currently available information, it is unclear whether this deletion is pathogenic or benign. We consider it to be a variant of uncertain significance.